The following is an entry in ClinVar:

ClinVar aggregate classification (germline): Uncertain significance (1 of 4 stars; one submission).

Submission:

Ambry Genetics
Classification: Uncertain significance. Last evaluated: 2024-06-17. Review status: criteria provided, single submitter. Criteria: Ambry Variant Classification Scheme 2023. Collection method: clinical testing. Allele origin: germline.
Comment: The p.Q367E variant (also known as c.1099C>G), located in coding exon 11 of the NEBL gene, results from a C to G substitution at nucleotide position 1099. The glutamine at codon 367 is replaced by glutamic acid, an amino acid with highly similar properties. This amino acid position is conserved. In addition, this alteration is predicted to be tolerated by in silico analysis. Based on the available evidence, the clinical significance of this variant remains unclear.

NM_006393.3(NEBL):c.1099C>G (p.Gln367Glu)

Gene: NEBL (nebulette; minus strand). Cytogenetic location: 10p12.31.
Variant type: single nucleotide variant.
Coding change: c.1099C>G on transcript NM_006393.3 (MANE Select); coding-DNA position 1099, C replaced by G.
Protein change: p.Gln367Glu; replaces glutamine 367 with glutamic acid.
Molecular consequence: missense variant. On other transcripts: intron variant (9).
Genome position (GRCh38, 1-based): chr10:20,850,412, G>C on the plus strand (C>G on the coding strand, the complement: NEBL is on the minus strand). VCF-style: chr10-20850412-G-C. GRCh37 (hg19) VCF-style: chr10-21139341-G-C.
Other names: c.250-37472C>G (NM_001377326.1, NM_001377327.1, NM_001377328.1); c.358-37472C>G (NM_213569.2, NM_001173484.2, NM_001377322.1); c.301-37472C>G (NM_001377324.1); c.292-37472C>G (NM_001377325.1); c.310-37472C>G (NM_001377323.1); short protein forms Q367E.
Identifiers: ClinVar variation 2489594 (VCV002489594.3), dbSNP rs772445046, ClinGen allele CA376099817.